The following is an entry in ClinVar:

NM_004385.5(VCAN):c.3374G>A (p.Arg1125His)

Gene: VCAN (versican; plus strand). Cytogenetic location: 5q14.3.
Variant type: single nucleotide variant.
Coding change: c.3374G>A on transcript NM_004385.5 (MANE Select); coding-DNA position 3374, G replaced by A.
Protein change: p.Arg1125His; replaces arginine 1125 with histidine.
Molecular consequence: missense variant. On other transcripts: intron variant (2).
Genome position (GRCh38, 1-based): chr5:83,521,680, G>A. VCF-style: chr5-83521680-G-A. GRCh37 (hg19) VCF-style: chr5-82817499-G-A.
Other names: c.3374G>A (NM_004385.4); c.3374G>A, p.Arg1125His (NM_001164098.2); c.1042+9284G>A (NM_001164097.2, NM_001126336.3); short protein forms R1125H.
Identifiers: ClinVar variation 1156544 (VCV001156544.12), dbSNP rs146606609, ClinGen allele CA3332998.
Genomic context (GRCh38, chr5:83,521,680, plus strand): 5'-CACCAGGTGCTGTAACTGAGCACAAAGTGAAAACAGATGAAGTGGTAACACTAACACCAC[G>A]CATTGGGCCAAAAGTATCTTTAAGTCCAGGGCCTGAACAAAAATATGAAACAGAAGGTAG-3'
Protein context (NP_004376.2, residues 1115-1135): KTDEVVTLTP[Arg1125His]IGPKVSLSPG

ClinVar aggregate classification (germline): Likely benign. Review status: criteria provided, multiple submitters, no conflicts (2 of 4 stars). 3 submissions from 3 submitters: Likely benign (2). 1 of the submissions does not count toward it. Last evaluated 2025-12-29.

Conditions:
VCAN-related disorder. Also called: VCAN-related condition.

Allele frequency attached by ClinVar (database versions not stated): gnomAD exomes 0.00018; ExAC 0.00029; ESP Exome Variant Server 0.00092.
gnomAD v4.1: 223 of 1,613,664 alleles (0.014%); highest among the groups gnomAD compares: African/African-American, 0.25%; no homozygotes.

Submissions (3):

Labcorp Genetics (formerly Invitae), Labcorp
Classification: Likely benign. Last evaluated: 2025-12-29. Review status: criteria provided, single submitter. Criteria: Invitae Variant Classification Sherloc (09022015). Collection method: clinical testing. Allele origin: germline.

Blueprint Genetics
Classification: Likely benign. Last evaluated: 2023-07-17. Review status: criteria provided, single submitter. Criteria: ACMG Guidelines, 2015. Collection method: clinical testing. Allele origin: germline.

PreventionGenetics, part of Exact Sciences
Classification: Likely benign for VCAN-related condition. Last evaluated: 2019-09-18. Review status: no assertion criteria provided. Collection method: clinical testing. Allele origin: germline. Not counted in ClinVar's aggregate classification.
Comment: This variant is classified as likely benign based on ACMG/AMP sequence variant interpretation guidelines (Richards et al. 2015 PMID: 25741868, with internal and published modifications).